The following is an entry in ClinVar:

NM_005245.4(FAT1):c.12567T>C (p.Val4189=)

Gene: FAT1 (FAT atypical cadherin 1; minus strand). Cytogenetic location: 4q35.2.
Variant type: single nucleotide variant.
Coding change: c.12567T>C on transcript NM_005245.4 (MANE Select); coding-DNA position 12567, T replaced by C.
Protein change: p.Val4189=; no amino-acid change (valine 4189 retained).
Molecular consequence: synonymous variant.
Genome position (GRCh38, 1-based): chr4:186,596,973, A>G on the plus strand (T>C on the coding strand, the complement: FAT1 is on the minus strand). VCF-style: chr4-186596973-A-G. GRCh37 (hg19) VCF-style: chr4-187518127-A-G.
Identifiers: ClinVar variation 734600 (VCV000734600.17), dbSNP rs35694170, ClinGen allele CA3164780.

ClinVar aggregate classification (germline): Benign/Likely benign. Review status: criteria provided, multiple submitters, no conflicts (2 of 4 stars). 4 submissions from 4 submitters: Benign (1); Likely benign (3). Last evaluated 2026-01-21.

Allele frequency attached by ClinVar (database versions not stated): TOPMed 0.00224; 1000 Genomes Project 30x 0.00250; gnomAD exomes 0.00026 and 0.00054; ExAC 0.00058; ESP Exome Variant Server 0.00172; gnomAD 0.00202 and 0.00220; 1000 Genomes Project 0.00220.
gnomAD v4.1: 707 of 1,614,026 alleles (0.044%); highest among the groups gnomAD compares: African/African-American, 0.76%; 4 homozygotes.

Submissions (4):

Labcorp Genetics (formerly Invitae), Labcorp
Classification: Benign. Last evaluated: 2026-01-21. Review status: criteria provided, single submitter. Criteria: Invitae Variant Classification Sherloc (09022015). Collection method: clinical testing. Allele origin: germline.

CeGaT Center for Human Genetics Tuebingen
Classification: Likely benign. Last evaluated: 2026-01-01. Review status: criteria provided, single submitter. Criteria: CeGaT Center For Human Genetics Tuebingen Variant Classification Criteria Version 2. Collection method: clinical testing. Allele origin: germline. Affected: yes. Observed: 1 variant allele.
Comment: FAT1: BP4, BP7

Blueprint Genetics
Classification: Likely benign. Last evaluated: 2024-11-01. Review status: criteria provided, single submitter. Criteria: ACMG Guidelines, 2015. Collection method: clinical testing. Allele origin: germline.

GeneDx
Classification: Likely benign. Last evaluated: 2021-08-31. Review status: criteria provided, single submitter. Criteria: GeneDx Variant Classification Process June 2021. Collection method: clinical testing. Allele origin: germline. Affected: yes.